The following is an entry in ClinVar:

NM_004281.4(BAG3):c.173G>T (p.Gly58Val)

Gene: BAG3 (BAG cochaperone 3; plus strand). Cytogenetic location: 10q26.11.
Variant type: single nucleotide variant.
Coding change: c.173G>T on transcript NM_004281.4 (MANE Select); coding-DNA position 173, G replaced by T.
Protein change: p.Gly58Val; replaces glycine 58 with valine.
Molecular consequence: missense variant.
Genome position (GRCh38, 1-based): chr10:119,651,848, G>T. VCF-style: chr10-119651848-G-T. GRCh37 (hg19) VCF-style: chr10-121411360-G-T.
Other names: short protein forms G58V.
Identifiers: ClinVar variation 539152 (VCV000539152.13), dbSNP rs138785335, ClinGen allele CA5716232.

ClinVar aggregate classification (germline): Uncertain significance. Review status: criteria provided, multiple submitters, no conflicts (2 of 4 stars). 6 submissions from 6 submitters: Uncertain significance (5). 1 of the submissions does not count toward it. Last evaluated 2025-12-11.

Conditions:
Cardiovascular phenotype. Identifiers: MedGen CN230736.
Myofibrillar myopathy 6. Identifiers: Orphanet 199340, MedGen C2751831, MONDO:0013061, OMIM 612954.
Dilated cardiomyopathy 1HH (CMD1HH). Identifiers: Orphanet 154, MedGen C3151293, MONDO:0013479, OMIM 613881.
BAG3-related disorder. Also called: BAG3-related condition.

Allele frequency attached by ClinVar (database versions not stated): gnomAD exomes below 0.00001; ExAC 0.00001; TOPMed 0.00001; ESP Exome Variant Server 0.00008.
gnomAD v4.1: 9 of 1,569,448 alleles (0.00057%); highest among the groups gnomAD compares: Non-Finnish European, 0.00078%; no homozygotes.

Submissions (6):

Ambry Genetics
Classification: Uncertain significance for Cardiovascular phenotype. Last evaluated: 2025-12-11. Review status: criteria provided, single submitter. Criteria: Ambry Variant Classification Scheme 2023. Collection method: clinical testing. Allele origin: germline.
Comment: The p.G58V variant (also known as c.173G>T), located in coding exon 1 of the BAG3 gene, results from a G to T substitution at nucleotide position 173. The glycine at codon 58 is replaced by valine, an amino acid with dissimilar properties. This variant was reported in an individual referred for dilated cardiomyopathy genetic testing (Janin A et al. Mol Diagn Ther, 2021 May;25:373-385). This amino acid position is well conserved in available vertebrate species. In addition, this alteration is predicted to be tolerated by in silico analysis. Based on the available evidence, the clinical significance of this variant remains unclear.

Labcorp Genetics (formerly Invitae), Labcorp
Classification: Uncertain significance for Dilated cardiomyopathy 1HH; Myofibrillar myopathy 6. Last evaluated: 2025-08-29. Review status: criteria provided, single submitter. Criteria: Invitae Variant Classification Sherloc (09022015). Collection method: clinical testing. Allele origin: germline.
Comment: This sequence change replaces glycine, which is neutral and non-polar, with valine, which is neutral and non-polar, at codon 58 of the BAG3 protein (p.Gly58Val). This variant is not present in population databases (gnomAD no frequency). This missense change has been observed in individual(s) with clinical features of autosomal dominant BAG3-related myopathy (internal data). ClinVar contains an entry for this variant (Variation ID: 539152). An algorithm developed to predict the effect of missense changes on protein structure and function (PolyPhen-2) suggests that this variant is likely to be disruptive. In summary, the available evidence is currently insufficient to determine the role of this variant in disease. Therefore, it has been classified as a Variant of Uncertain Significance.

Molecular Diagnostic Laboratory for Inherited Cardiovascular Disease, Montreal Heart Institute
Classification: Uncertain significance for Cardiovascular phenotype. Last evaluated: 2025-04-09. Review status: criteria provided, single submitter. Criteria: ACMG Guidelines, 2015. Collection method: clinical testing. Allele origin: germline. Affected: yes.

Revvity Omics, Revvity
Classification: Uncertain significance. Last evaluated: 2024-08-19. Review status: criteria provided, single submitter. Criteria: ACMG Guidelines, 2015. Collection method: clinical testing. Allele origin: germline.

GeneDx
Classification: Uncertain significance. Last evaluated: 2022-09-19. Review status: criteria provided, single submitter. Criteria: GeneDx Variant Classification Process June 2021. Collection method: clinical testing. Allele origin: germline. Affected: yes.
Comment: Not observed at significant frequency in large population cohorts (gnomAD); In silico analysis supports that this missense variant does not alter protein structure/function; Has not been previously published as pathogenic or benign to our knowledge

PreventionGenetics, part of Exact Sciences
Classification: Uncertain significance for BAG3-related condition. Last evaluated: 2024-03-28. Review status: no assertion criteria provided. Collection method: clinical testing. Allele origin: germline. Not counted in ClinVar's aggregate classification.
Comment: The BAG3 c.173G>T variant is predicted to result in the amino acid substitution p.Gly58Val. This variant was reported as a variant of uncertain significance associated with BAG3-associated disorders (Table S1, Qu et al. 2022. PubMed ID: 36382946). This variant is reported in 0.0011% of alleles in individuals of European (Non-Finnish) descent in gnomAD. At this time, the clinical significance of this variant is uncertain due to the absence of conclusive functional and genetic evidence.

Literature cited by the submitters: PubMed 33954932 (cited by Ambry Genetics).